The following is an entry in ClinVar:

ClinVar aggregate classification (germline): Conflicting classifications of pathogenicity. Review status: criteria provided, conflicting classifications (1 of 4 stars). 4 submissions from 2 submitters: Uncertain significance (2); Benign (2). Last evaluated 2024-12-06.

Conditions:
Orofacial cleft 8. Also called: Cleft lip with or without cleft palate, nonsyndromic, 8. Identifiers: MedGen C1851878, MONDO:0029145, OMIM 618149.
Ectrodactyly, ectodermal dysplasia, and cleft lip-palate syndrome 3. Also called: Ectrodactyly, Ectodermal Dysplasia, Clefting Syndrome Type 3 (EEC3); Ectrodactyly, Ectodermal Dysplasia, Cleft Lip/Palate Syndrome 3 (EEC3); Ectrodactyly, Ectodermal Dysplasia, Clefting Syndrome; EEC SYNDROME 3. Identifiers: Orphanet 1896, MedGen C1858562, MONDO:0011428, OMIM 604292.
TP63-Related Spectrum Disorders.

Allele frequency attached by ClinVar (database versions not stated): gnomAD 0.00004; gnomAD exomes 0.00005 and 0.00011; TOPMed 0.00005; ExAC 0.00012; ESP Exome Variant Server 0.00023.
gnomAD v4.1: 81 of 1,613,888 alleles (0.005%); highest among the groups gnomAD compares: South Asian, 0.063%; no homozygotes.

Submissions (4):

Labcorp Genetics (formerly Invitae), Labcorp
Classification: Uncertain significance. Last evaluated: 2024-12-06. Review status: criteria provided, single submitter. Criteria: Invitae Variant Classification Sherloc (09022015). Collection method: clinical testing. Allele origin: germline.
Comment: This sequence change replaces alanine, which is neutral and non-polar, with threonine, which is neutral and polar, at codon 489 of the TP63 protein (p.Ala489Thr). This variant is present in population databases (rs138832017, gnomAD 0.07%), and has an allele count higher than expected for a pathogenic variant. This variant has not been reported in the literature in individuals affected with TP63-related conditions. ClinVar contains an entry for this variant (Variation ID: 903553). Invitae Evidence Modeling incorporating data from in vitro experimental studies (internal data) indicates that this missense variant is not expected to disrupt TP63 function with a negative predictive value of 80%. In summary, the available evidence is currently insufficient to determine the role of this variant in disease. Therefore, it has been classified as a Variant of Uncertain Significance.

Illumina Laboratory Services, Illumina
Classification: Benign for Ectrodactyly, ectodermal dysplasia, and cleft lip-palate syndrome 3. Last evaluated: 2018-01-13. Review status: criteria provided, single submitter. Criteria: ICSL Variant Classification Criteria 13 December 2019. Collection method: clinical testing. Allele origin: germline.
Comment: This variant was observed in the ICSL laboratory as part of a predisposition screen in an ostensibly healthy population. It had not been previously curated by ICSL or reported in the Human Gene Mutation Database (HGMD: prior to June 1st, 2018), and was therefore a candidate for classification through an automated scoring system. Utilizing variant allele frequency, disease prevalence and penetrance estimates, and inheritance mode, an automated score was calculated to assess if this variant is too frequent to cause the disease. Based on the score and internal cut-off values, a variant classified as benign is not then subjected to further curation. The score for this variant resulted in a classification of benign for this disease.

Illumina Laboratory Services, Illumina
Classification: Uncertain significance for Orofacial cleft 8. Last evaluated: 2018-01-13. Review status: criteria provided, single submitter. Criteria: ICSL Variant Classification Criteria 13 December 2019. Collection method: clinical testing. Allele origin: germline.

Illumina Laboratory Services, Illumina
Classification: Benign for TP63-Related Spectrum Disorders. Last evaluated: 2018-01-13. Review status: criteria provided, single submitter. Criteria: ICSL Variant Classification Criteria 13 December 2019. Collection method: clinical testing. Allele origin: germline.
Comment: the same text as in the submission from Illumina Laboratory Services, Illumina above.

NM_003722.5(TP63):c.1465G>A (p.Ala489Thr)

Gene: TP63 (tumor protein p63; plus strand). Cytogenetic location: 3q28.
Variant type: single nucleotide variant.
Coding change: c.1465G>A on transcript NM_003722.5 (MANE Select); coding-DNA position 1465, G replaced by A.
Protein change: p.Ala489Thr; replaces alanine 489 with threonine.
Molecular consequence: missense variant.
Genome position (GRCh38, 1-based): chr3:189,886,509, G>A. VCF-style: chr3-189886509-G-A. GRCh37 (hg19) VCF-style: chr3-189604298-G-A.
Other names: c.1465G>A, p.Ala489Thr (NM_001114978.2, NM_001329144.2); c.1183G>A, p.Ala395Thr (NM_001114980.2, NM_001114981.2, NM_001329145.2); c.928G>A, p.Ala310Thr (NM_001329146.2); c.1453G>A, p.Ala485Thr (NM_001329148.2); c.1171G>A, p.Ala391Thr (NM_001329149.2); c.916G>A, p.Ala306Thr (NM_001329150.2); c.1459G>A, p.Ala487Thr (NM_001329964.2); short protein forms A306T, A487T, A395T, A310T, A391T, A485T, A489T.
Identifiers: ClinVar variation 903553 (VCV000903553.7), dbSNP rs138832017, ClinGen allele CA2752489.
Genomic context (GRCh38, chr3:189,886,509, plus strand): 5'-ATGAACAGCATGAACAAGCTGCCTTCTGTGAGCCAGCTTATCAACCCTCAGCAGCGCAAC[G>A]CCCTCACTCCTACAACCATTCCTGATGGCATGGGAGCCAACAGTAAGAGCATCTCCTTTT-3'
Protein context (NP_003713.3, residues 479-499): SQLINPQQRN[Ala489Thr]LTPTTIPDGM